The following is an entry in ClinVar:

ClinVar aggregate classification (germline): Uncertain significance (1 of 4 stars; one submission).

Submission:

GeneDx
Classification: Uncertain significance. Last evaluated: 2024-05-24. Review status: criteria provided, single submitter. Criteria: GeneDx Variant Classification Process June 2021. Collection method: clinical testing. Allele origin: germline. Affected: yes.
Comment: Not observed at significant frequency in large population cohorts (gnomAD); In silico analysis supports that this missense variant has a deleterious effect on protein structure/function; Has not been previously published as pathogenic or benign to our knowledge

NM_002911.4(UPF1):c.2060G>A (p.Arg687His)

Gene: UPF1 (UPF1 RNA helicase and ATPase; plus strand). Cytogenetic location: 19p13.11.
Variant type: single nucleotide variant.
Coding change: c.2060G>A on transcript NM_002911.4 (MANE Select); coding-DNA position 2060, G replaced by A.
Protein change: p.Arg687His; replaces arginine 687 with histidine.
Molecular consequence: missense variant.
Genome position (GRCh38, 1-based): chr19:18,857,411, G>A. VCF-style: chr19-18857411-G-A. GRCh37 (hg19) VCF-style: chr19-18968220-G-A.
Other names: c.2093G>A, p.Arg698His (NM_001297549.2); short protein forms R687H, R698H.
Identifiers: ClinVar variation 3383558 (VCV003383558.1).